The following is an entry in ClinVar:

NM_001001557.4(GDF6):c.24C>G (p.Leu8=)

Gene: GDF6 (growth differentiation factor 6; minus strand). Cytogenetic location: 8q22.1.
Variant type: single nucleotide variant.
Coding change: c.24C>G on transcript NM_001001557.4 (MANE Select); coding-DNA position 24, C replaced by G.
Protein change: p.Leu8=; no amino-acid change (leucine 8 retained).
Molecular consequence: synonymous variant.
Genome position (GRCh38, 1-based): chr8:96,160,669, G>C on the plus strand (C>G on the coding strand, the complement: GDF6 is on the minus strand). VCF-style: chr8-96160669-G-C. GRCh37 (hg19) VCF-style: chr8-97172897-G-C.
Identifiers: ClinVar variation 707560 (VCV000707560.38), dbSNP rs369859861, ClinGen allele CA4815569.
Genomic context (GRCh38, chr8:96,160,669, plus strand): 5'-GATGGAAGCCTGCTGGAAACCGGGCAAATCCCACAGAAAACTGATGAGGAAGACGGCCGA[G>C]AGCAGGACCCTGGGAGTATCCATGGCGGGCAAGTGGCTGCGTCTCCCCAGGAGGCGGTGG-3'
Protein context (NP_001001557.1, residues 1-18): MDTPRVL[Leu8=]SAVFLISFLW

ClinVar aggregate classification (germline): Conflicting classifications of pathogenicity. Review status: criteria provided, conflicting classifications (1 of 4 stars). 3 submissions from 3 submitters: Uncertain significance (1); Likely benign (2). Last evaluated 2026-01-26.

Conditions:
Klippel-Feil syndrome 1, autosomal dominant (KFS1). Also called: CERVICAL VERTEBRAL FUSION, AUTOSOMAL DOMINANT. Identifiers: Orphanet 2345, MedGen C1861689, MONDO:0007306, OMIM 118100.
Isolated microphthalmia 4. Identifiers: Orphanet 2542, MedGen C2751307, MONDO:0013130, OMIM 613094.
Leber congenital amaurosis 17 (LCA17). Identifiers: Orphanet 65, MedGen C3715164, MONDO:0014145, OMIM 615360.
Microphthalmia, isolated, with coloboma 6 (MCOPCB6). Also called: Microphthalmia with coloboma 6, digenic; Microphthalmia with coloboma 6; MICROPHTHALMIA/COLOBOMA 6. Identifiers: Orphanet 98938, MedGen C3150968, MONDO:0013376, OMIM 613703.

Allele frequency attached by ClinVar (database versions not stated): ESP Exome Variant Server 0.00015; gnomAD 0.00016 and 0.00018; TOPMed 0.00022.
gnomAD v4.1: 624 of 1,613,510 alleles (0.039%); highest among the groups gnomAD compares: Non-Finnish European, 0.05%; 1 homozygote.

Submissions (3):

Labcorp Genetics (formerly Invitae), Labcorp
Classification: Likely benign for Isolated microphthalmia 4; Leber congenital amaurosis 17; Klippel-Feil syndrome 1, autosomal dominant; Microphthalmia, isolated, with coloboma 6. Last evaluated: 2026-01-26. Review status: criteria provided, single submitter. Criteria: Invitae Variant Classification Sherloc (09022015). Collection method: clinical testing. Allele origin: germline.

CeGaT Center for Human Genetics Tuebingen
Classification: Likely benign. Last evaluated: 2023-07-01. Review status: criteria provided, single submitter. Criteria: CeGaT Center For Human Genetics Tuebingen Variant Classification Criteria Version 2. Collection method: clinical testing. Allele origin: germline. Affected: yes. Observed: 1 variant allele.
Comment: GDF6: BP4, BP7

Illumina Laboratory Services, Illumina
Classification: Uncertain significance for Klippel-Feil syndrome 1, autosomal dominant. Last evaluated: 2017-04-27. Review status: criteria provided, single submitter. Criteria: ICSL Variant Classification Criteria 13 December 2019. Collection method: clinical testing. Allele origin: germline.
Comment: This variant was observed as part of a predisposition screen in an ostensibly healthy population. A literature search was performed for the gene, cDNA change, and amino acid change (where applicable). Publications were found based on this search. However, the evidence from the literature, in combination with allele frequency data from public databases where available, was not sufficient to rule this variant in or out of causing disease. Therefore, this variant is classified as a variant of unknown significance.

Literature cited by the submitters: PubMed 22204637 (cited by Illumina Laboratory Services, Illumina).